The following is an entry in ClinVar:

NM_000143.4(FH):c.940G>A (p.Ala314Thr)

Gene: FH (fumarate hydratase; minus strand). Cytogenetic location: 1q43.
Variant type: single nucleotide variant.
Coding change: c.940G>A on transcript NM_000143.4 (MANE Select); coding-DNA position 940, G replaced by A.
Protein change: p.Ala314Thr; replaces alanine 314 with threonine.
Molecular consequence: missense variant.
Genome position (GRCh38, 1-based): chr1:241,504,210, C>T on the plus strand (G>A on the coding strand, the complement: FH is on the minus strand). VCF-style: chr1-241504210-C-T. GRCh37 (hg19) VCF-style: chr1-241667510-C-T.
Other names: short protein forms A314T.
Identifiers: ClinVar variation 2758309 (VCV002758309.3), dbSNP rs2147916313, ClinGen allele CA345438366.

ClinVar aggregate classification (germline): Uncertain significance (1 of 4 stars; one submission).

Submission:

Labcorp Genetics (formerly Invitae), Labcorp
Classification: Uncertain significance. Last evaluated: 2023-09-05. Review status: criteria provided, single submitter. Criteria: Invitae Variant Classification Sherloc (09022015). Collection method: clinical testing. Allele origin: germline.
Comment: In summary, the available evidence is currently insufficient to determine the role of this variant in disease. Therefore, it has been classified as a Variant of Uncertain Significance. Advanced modeling of protein sequence and biophysical properties (such as structural, functional, and spatial information, amino acid conservation, physicochemical variation, residue mobility, and thermodynamic stability) performed at Invitae indicates that this missense variant is expected to disrupt FH protein function. This variant has not been reported in the literature in individuals affected with FH-related conditions. This variant is not present in population databases (gnomAD no frequency). This sequence change replaces alanine, which is neutral and non-polar, with threonine, which is neutral and polar, at codon 314 of the FH protein (p.Ala314Thr).